The following is an entry in ClinVar:

NM_203446.3(SYNJ1):c.3187T>C (p.Ser1063Pro)

Gene: SYNJ1 (synaptojanin 1; minus strand). Cytogenetic location: 21q22.11.
Variant type: single nucleotide variant.
Coding change: c.3187T>C on transcript NM_203446.3 (MANE Select); coding-DNA position 3187, T replaced by C.
Protein change: p.Ser1063Pro; replaces serine 1063 with proline.
Molecular consequence: missense variant.
Genome position (GRCh38, 1-based): chr21:32,646,453, A>G on the plus strand (T>C on the coding strand, the complement: SYNJ1 is on the minus strand). VCF-style: chr21-32646453-A-G. GRCh37 (hg19) VCF-style: chr21-34018763-A-G.
Other names: c.3187T>C, p.Ser1063Pro (NM_001160302.2); c.3172T>C, p.Ser1058Pro (NM_001160306.2); c.3304T>C, p.Ser1102Pro (NM_003895.4); short protein forms S1063P, S1058P, S1102P.
Identifiers: ClinVar variation 1375402 (VCV001375402.3), dbSNP rs767636058, ClinGen allele CA10003492.
Genomic context (GRCh38, chr21:32,646,453, plus strand): 5'-TCTGTGCACTGGGAGGCCCAGGAGTTCTTGACGGTGCTCGGCTTGGTCTGATGGGAAGGG[A>G]AGGTACAGGACCCTCTGATATTGTAGGTGACTGGCAGGGACTAGTTCGGGGTGAAGAGCT-3'
Protein context (NP_982271.3, residues 1053-1073): SPTISEGPVP[Ser1063Pro]LPIRPSRAPS

ClinVar aggregate classification (germline): Uncertain significance (1 of 4 stars; one submission).

Conditions:
Developmental and epileptic encephalopathy, 53. Also called: Epileptic encephalopathy, early infantile, 53. Identifiers: MedGen C4479313, MONDO:0033362, OMIM 617389.
Early-onset Parkinson disease 20. Also called: PARKINSON DISEASE 20, AUTOSOMAL RECESSIVE EARLY-ONSET. Identifiers: Orphanet 391411, MedGen C3809824, MONDO:0014233, OMIM 615530.

Allele frequency attached by ClinVar (database versions not stated): gnomAD exomes below 0.00001 and 0.00001; TOPMed below 0.00001; ExAC 0.00001.
gnomAD v4.1: 2 of 1,614,146 alleles (0.00012%); highest among the groups gnomAD compares: Admixed American, 0.0033%; no homozygotes.

Submission:

Labcorp Genetics (formerly Invitae), Labcorp
Classification: Uncertain significance for Developmental and epileptic encephalopathy, 53; Early-onset Parkinson disease 20. Last evaluated: 2021-08-16. Review status: criteria provided, single submitter. Criteria: Invitae Variant Classification Sherloc (09022015). Collection method: clinical testing. Allele origin: germline.
Comment: This sequence change replaces serine with proline at codon 1102 of the SYNJ1 protein (p.Ser1102Pro). The serine residue is moderately conserved and there is a moderate physicochemical difference between serine and proline. This variant is present in population databases (rs767636058, ExAC 0.009%). This variant has not been reported in the literature in individuals affected with SYNJ1-related conditions. Algorithms developed to predict the effect of missense changes on protein structure and function output the following: SIFT: "Tolerated"; PolyPhen-2: "Benign"; Align-GVGD: "Class C0". The proline amino acid residue is found in multiple mammalian species, which suggests that this missense change does not adversely affect protein function. In summary, the available evidence is currently insufficient to determine the role of this variant in disease. Therefore, it has been classified as a Variant of Uncertain Significance.